The following is an entry in ClinVar:

NM_032119.4(ADGRV1):c.14649dup (p.Ala4884fs)

Gene: ADGRV1 (adhesion G protein-coupled receptor V1; plus strand). Cytogenetic location: 5q14.3.
Variant type: Duplication.
Coding change: c.14649dup on transcript NM_032119.4 (MANE Select); coding-DNA position 14649, one base duplicated (T; older notation c.14649dupT).
Protein change: p.Ala4884fs; shifts the reading frame from alanine 4884.
Molecular consequence: frameshift variant. On other transcripts: non-coding transcript variant (1).
Genome position (GRCh38, 1-based): chr5:90,802,870, T duplicated. VCF-style (leftmost placement, unchanged base first): chr5-90802869-C-CT. GRCh37 (hg19) VCF-style: chr5-90098686-C-CT.
Other names: short protein forms A4884fs.
Identifiers: ClinVar variation 3726698 (VCV003726698.2).
Genomic context (GRCh38, chr5:90,802,869, plus strand): 5'-ATGGAATGCCAACAATTCTTCAGGAAGCAAAATCTGCTGTCCTTCCAGTCTCTGAGAAAG[C>CT]TGCCAATTCTCAGGTAATTGGCCCTGTGTGTGGTTCTCTCAGCAGAACACTAGAGGGCAG-3'

ClinVar aggregate classification (germline): Pathogenic (1 of 4 stars; one submission).

Submission:

Labcorp Genetics (formerly Invitae), Labcorp
Classification: Pathogenic. Last evaluated: 2024-12-05. Review status: criteria provided, single submitter. Criteria: Invitae Variant Classification Sherloc (09022015). Collection method: clinical testing. Allele origin: germline.
Comment: This sequence change creates a premature translational stop signal (p.Ala4884Cysfs*8) in the ADGRV1 gene. It is expected to result in an absent or disrupted protein product. Loss-of-function variants in ADGRV1 are known to be pathogenic (PMID: 19357117, 22135276, 22147658, 26226137, 30718709, 31047384, 32467589). This variant is not present in population databases (gnomAD no frequency). This variant has not been reported in the literature in individuals affected with ADGRV1-related conditions. For these reasons, this variant has been classified as Pathogenic.

Literature cited by the submitters: PubMed 19357117; PubMed 22135276; PubMed 22147658; PubMed 26226137; PubMed 30718709; PubMed 31047384; PubMed 32467589.